The following is an entry in ClinVar:

NM_000092.5(COL4A4):c.139del (p.Cys47fs)

Gene: COL4A4 (collagen type IV alpha 4 chain; minus strand). Cytogenetic location: 2q36.3.
Variant type: Deletion.
Coding change: c.139del on transcript NM_000092.5 (MANE Select); coding-DNA position 139, one base deleted (T; older notation c.139delT).
Protein change: p.Cys47fs; shifts the reading frame from cysteine 47.
Molecular consequence: frameshift variant.
Genome position (GRCh38, 1-based): chr2:227,140,214, A deleted on the plus strand (T on the coding strand, the reverse complement: COL4A4 is on the minus strand); the first of 2 consecutive A bases (chr2:227,140,214-227,140,215); deleting either gives the same sequence. VCF-style (leftmost placement, unchanged base first): chr2-227140213-CA-C. GRCh37 (hg19) VCF-style: chr2-228004929-CA-C.
Other names: c.139delT (NM_000092.4); short protein forms C47fs.
Identifiers: ClinVar variation 2506101 (VCV002506101.1), dbSNP rs2476903185, ClinGen allele CA2580616721.

ClinVar aggregate classification (germline): Pathogenic (1 of 4 stars; one submission).

Conditions:
Autosomal recessive Alport syndrome (ATS2). Also called: COL4A3-Related Nephropathy; COL4A4 Alport Syndrome and Thin Basement Membrane Nephropathy; ALPORT SYNDROME 2, AUTOSOMAL RECESSIVE; Alport syndrome type 2. Identifiers: Orphanet 63, Orphanet 88919, MedGen C4746745, MONDO:0008762, OMIM 203780.

Submission:

Women's Health and Genetics/Laboratory Corporation of America, LabCorp
Classification: Pathogenic for Autosomal recessive Alport syndrome. Last evaluated: 2023-05-11. Review status: criteria provided, single submitter. Criteria: LabCorp Variant Classification Summary - May 2015. Collection method: clinical testing. Allele origin: germline.
Comment: Variant summary: COL4A4 c.139delT (p.Cys47ValfsX47) results in a premature termination codon, predicted to cause a truncation of the encoded protein or absence of the protein due to nonsense mediated decay, which are commonly known mechanisms for disease. The variant was absent in 249538 control chromosomes. To our knowledge, no occurrence of c.139delT in individuals affected with Alport Syndrome, Autosomal Recessive and no experimental evidence demonstrating its impact on protein function have been reported. No clinical diagnostic laboratories have submitted clinical-significance assessments for this variant to ClinVar after 2014. Based on the evidence outlined above, the variant was classified as pathogenic.